The following is an entry in ClinVar:

NM_017951.5(SMPD4):c.1117G>A (p.Val373Ile)

Gene: SMPD4 (sphingomyelin phosphodiesterase 4; minus strand). Cytogenetic location: 2q21.1.
Variant type: single nucleotide variant.
Coding change: c.1117G>A on transcript NM_017951.5 (MANE Select); coding-DNA position 1117, G replaced by A.
Protein change: p.Val373Ile; replaces valine 373 with isoleucine.
Molecular consequence: missense variant. On other transcripts: non-coding transcript variant (2).
Genome position (GRCh38, 1-based): chr2:130,156,656, C>T on the plus strand (G>A on the coding strand, the complement: SMPD4 is on the minus strand). VCF-style: chr2-130156656-C-T. GRCh37 (hg19) VCF-style: chr2-130914229-C-T.
Other names: c.928G>A, p.Val310Ile (NM_001171083.2); c.1147G>A, p.Val383Ile (NM_017751.4); short protein forms V310I, V373I, V383I.
Identifiers: ClinVar variation 4881997 (VCV004881997.2).

ClinVar aggregate classification (germline): Uncertain significance (1 of 4 stars; one submission).

Conditions:
Neurodevelopmental disorder with microcephaly, arthrogryposis, and structural brain anomalies. Identifiers: Orphanet 664923, MedGen C5231431, MONDO:0032838, OMIM 618622.

gnomAD v4.1: 6 of 1,613,580 alleles (0.00037%); highest among the groups gnomAD compares: Middle Eastern, 0.016%; no homozygotes.

Submission:

Dasa
Classification: Uncertain significance for Neurodevelopmental disorder with microcephaly, arthrogryposis, and structural brain anomalies. Last evaluated: 2025-11-25. Review status: criteria provided, single submitter. Criteria: DASA Assertion Criteria. Collection method: clinical testing. Allele origin: germline.
Comment: NM_017951.5(SMPD4):c.1117G>A (p.Val373Ile) is a missense variant that results in the substitution of valine with isoleucine. This variant has been observed in affected individuals with SMPD4-related disorders. Also, this variant is rare in population databases. Computational prediction algorithms are consistent with a benign effect. The currently available literature and clinical evidence are not sufficient to establish a definitive association between this variant and the reported condition. Therefore, this variant is classified as a variant of uncertain significance.